The following is an entry in ClinVar:

NM_001035.3(RYR2):c.2718G>A (p.Pro906=)

Gene: RYR2 (ryanodine receptor 2; plus strand). Cytogenetic location: 1q43.
Variant type: single nucleotide variant.
Coding change: c.2718G>A on transcript NM_001035.3 (MANE Select); coding-DNA position 2718, G replaced by A.
Protein change: p.Pro906=; no amino-acid change (proline 906 retained).
Molecular consequence: synonymous variant.
Genome position (GRCh38, 1-based): chr1:237,506,814, G>A. VCF-style: chr1-237506814-G-A. GRCh37 (hg19) VCF-style: chr1-237670114-G-A.
Identifiers: ClinVar variation 1014580 (VCV001014580.11), dbSNP rs1164077324, ClinGen allele CA423816687.
Genomic context (GRCh38, chr1:237,506,814, plus strand): 5'-AGAGAATATCCATGAACTCTGGGTTATGAATAAAATTGAGCTTGGCTGGCAGTATGGTCC[G>A]GTATGTAATTTTGAAATTTATTTTCAGATTCTGTGAATACATCTTTCTGAAAACATAACT-3'
Protein context (NP_001026.2, residues 896-916): NKIELGWQYG[Pro906=]VRDDNKRQHP

ClinVar aggregate classification (germline): Uncertain significance. Review status: criteria provided, multiple submitters, no conflicts (2 of 4 stars). 2 submissions from 2 submitters: Uncertain significance (2). Last evaluated 2025-04-27.

Conditions:
Catecholaminergic polymorphic ventricular tachycardia 1. Also called: RYR2-Related Catecholaminergic Polymorphic Ventricular Tachycardia; VENTRICULAR TACHYCARDIA, CATECHOLAMINERGIC POLYMORPHIC, 1, WITH OR WITHOUT ATRIAL DYSFUNCTION AND/OR DILATED CARDIOMYOPATHY; VENTRICULAR TACHYCARDIA, STRESS-INDUCED POLYMORPHIC 1. Identifiers: Orphanet 3286, MedGen C1631597, MONDO:0011484, OMIM 604772.

Allele frequency attached by ClinVar (database versions not stated): gnomAD exomes below 0.00001.
gnomAD v4.1: 4 of 1,609,640 alleles (0.00025%); highest among the groups gnomAD compares: Non-Finnish European, 0.00034%; no homozygotes.

Submissions (2):

Labcorp Genetics (formerly Invitae), Labcorp
Classification: Uncertain significance for Catecholaminergic polymorphic ventricular tachycardia 1. Last evaluated: 2025-04-27. Review status: criteria provided, single submitter. Criteria: Invitae Variant Classification Sherloc (09022015). Collection method: clinical testing. Allele origin: germline.
Comment: This sequence change affects codon 906 of the RYR2 mRNA. It is a 'silent' change, meaning that it does not change the encoded amino acid sequence of the RYR2 protein. This variant also falls at the last nucleotide of exon 23, which is part of the consensus splice site for this exon. This variant is not present in population databases (gnomAD no frequency). This variant has not been reported in the literature in individuals affected with RYR2-related conditions. ClinVar contains an entry for this variant (Variation ID: 1014580). Variants that disrupt the consensus splice site are a relatively common cause of aberrant splicing (PMID: 17576681, 9536098). Algorithms developed to predict the effect of sequence changes on RNA splicing suggest that this variant may disrupt the consensus splice site. In summary, the available evidence is currently insufficient to determine the role of this variant in disease. Therefore, it has been classified as a Variant of Uncertain Significance.

Blueprint Genetics
Classification: Uncertain significance. Last evaluated: 2024-11-15. Review status: criteria provided, single submitter. Criteria: ACMG Guidelines, 2015. Collection method: clinical testing. Allele origin: germline.

Literature cited by the submitters: PubMed 17576681 (cited by Labcorp Genetics (formerly Invitae), Labcorp); PubMed 9536098 (cited by Labcorp Genetics (formerly Invitae), Labcorp).